The following is an entry in ClinVar:

ClinVar aggregate classification (germline): Likely pathogenic (1 of 4 stars; one submission).

Conditions:
Severe combined immunodeficiency, autosomal recessive, T cell-negative, B cell-negative, NK cell-positive. Also called: SCID, T CELL-NEGATIVE, B CELL-NEGATIVE, NK CELL-POSITIVE; Severe combined immunodeficiency due to complete RAG1/2 deficiency; SCID, AR, T-cell negative, B-cell negative, NK cell-positive. Identifiers: Orphanet 331206, MedGen C1832322, MONDO:0011086, OMIM 601457.
Combined immunodeficiency with skin granulomas. Identifiers: Orphanet 157949, MedGen C2673536, MONDO:0009306, OMIM 233650.

gnomAD v4.1: 1 of 1,614,120 alleles (0.000062%); highest among the groups gnomAD compares: Middle Eastern, 0.016%; no homozygotes.

Submission:

Labcorp Genetics (formerly Invitae), Labcorp
Classification: Likely pathogenic for Combined immunodeficiency with skin granulomas; Severe combined immunodeficiency, autosomal recessive, T cell-negative, B cell-negative, NK cell-positive. Last evaluated: 2025-08-14. Review status: criteria provided, single submitter. Criteria: Invitae Variant Classification Sherloc (09022015). Collection method: clinical testing. Allele origin: germline.
Comment: This sequence change replaces isoleucine, which is neutral and non-polar, with phenylalanine, which is neutral and non-polar, at codon 444 of the RAG2 protein (p.Ile444Phe). This variant is not present in population databases (gnomAD no frequency). This variant has not been reported in the literature in individuals affected with RAG2-related conditions. Invitae Evidence Modeling of protein sequence and biophysical properties (such as structural, functional, and spatial information, amino acid conservation, physicochemical variation, residue mobility, and thermodynamic stability) indicates that this missense variant is expected to disrupt RAG2 protein function with a positive predictive value of 95%. This variant disrupts the p.Ile444 amino acid residue in RAG2. Other variant(s) that disrupt this residue have been determined to be pathogenic (PMID: 19912631, 29772310). This suggests that this residue is clinically significant, and that variants that disrupt this residue are likely to be disease-causing. In summary, the currently available evidence indicates that the variant is pathogenic, but additional data are needed to prove that conclusively. Therefore, this variant has been classified as Likely Pathogenic.

Literature cited by the submitters: PubMed 19912631; PubMed 29772310.

NM_000536.4(RAG2):c.1330A>T (p.Ile444Phe)

Gene: RAG2 (recombination activating 2; minus strand). Cytogenetic location: 11p12.
Variant type: single nucleotide variant.
Coding change: c.1330A>T on transcript NM_000536.4 (MANE Select); coding-DNA position 1330, A replaced by T.
Protein change: p.Ile444Phe; replaces isoleucine 444 with phenylalanine.
Molecular consequence: missense variant.
Genome position (GRCh38, 1-based): chr11:36,592,839, T>A on the plus strand (A>T on the coding strand, the complement: RAG2 is on the minus strand). VCF-style: chr11-36592839-T-A. GRCh37 (hg19) VCF-style: chr11-36614389-T-A.
Other names: c.1330A>T, p.Ile444Phe (NM_001243785.2, NM_001243786.2); short protein forms I444F.
Identifiers: ClinVar variation 4793488 (VCV004793488.1).